The following is an entry in ClinVar:

ClinVar aggregate classification (germline): Uncertain significance (1 of 4 stars; one submission).

Conditions:
Epileptic encephalopathy. Identifiers: MedGen C0543888, HP:0200134.

Allele frequency attached by ClinVar (database versions not stated): gnomAD exomes 0.00001 and 0.00003; gnomAD 0.00004 and 0.00003; TOPMed 0.00002; ExAC 0.00003.
gnomAD v4.1: 53 of 1,612,670 alleles (0.0033%); highest among the groups gnomAD compares: Non-Finnish European, 0.004%; no homozygotes.

Submission:

Labcorp Genetics (formerly Invitae), Labcorp
Classification: Uncertain significance for Epileptic encephalopathy. Last evaluated: 2022-06-27. Review status: criteria provided, single submitter. Criteria: Invitae Variant Classification Sherloc (09022015). Collection method: clinical testing. Allele origin: germline.
Comment: This sequence change replaces arginine, which is basic and polar, with tryptophan, which is neutral and slightly polar, at codon 321 of the RYR3 protein (p.Arg321Trp). The frequency data for this variant in the population databases is considered unreliable, as metrics indicate poor data quality at this position in the gnomAD database. This variant has not been reported in the literature in individuals affected with RYR3-related conditions. ClinVar contains an entry for this variant (Variation ID: 571349). Algorithms developed to predict the effect of missense changes on protein structure and function are either unavailable or do not agree on the potential impact of this missense change (SIFT: "Deleterious"; PolyPhen-2: "Probably Damaging"; Align-GVGD: "Class C0"). In summary, the available evidence is currently insufficient to determine the role of this variant in disease. Therefore, it has been classified as a Variant of Uncertain Significance.

NM_001036.6(RYR3):c.961C>T (p.Arg321Trp)

Gene: RYR3 (ryanodine receptor 3; plus strand). Cytogenetic location: 15q14.
Variant type: single nucleotide variant.
Coding change: c.961C>T on transcript NM_001036.6 (MANE Select); coding-DNA position 961, C replaced by T.
Protein change: p.Arg321Trp; replaces arginine 321 with tryptophan.
Molecular consequence: missense variant.
Genome position (GRCh38, 1-based): chr15:33,550,305, C>T. VCF-style: chr15-33550305-C-T. GRCh37 (hg19) VCF-style: chr15-33842506-C-T.
Other names: c.961C>T, p.Arg321Trp (NM_001243996.4); short protein forms R321W.
Identifiers: ClinVar variation 571349 (VCV000571349.11), dbSNP rs754630934, ClinGen allele CA7457969.